The following is an entry in ClinVar:

NM_000531.6(OTC):c.595A>G (p.Asn199Asp)

Gene: OTC (ornithine transcarbamylase; plus strand). Cytogenetic location: Xp11.4.
Variant type: single nucleotide variant.
Coding change: c.595A>G on transcript NM_000531.6 (MANE Select); coding-DNA position 595, A replaced by G.
Protein change: p.Asn199Asp; replaces asparagine 199 with aspartic acid.
Molecular consequence: missense variant.
Genome position (GRCh38, 1-based): chrX:38,403,672, A>G. VCF-style: chrX-38403672-A-G. GRCh37 (hg19) VCF-style: chrX-38262925-A-G.
Other names: short protein forms N199D.
Identifiers: ClinVar variation 97264 (VCV000097264.2), dbSNP rs72558405, ClinGen allele CA224700.

ClinVar aggregate classification (germline): Pathogenic (0 of 4 stars; one submission).

Submission:

GenMed Metabolism Lab
Classification: Pathogenic. Review status: no assertion criteria provided. Collection method: not provided. Allele origin: unknown.
ClinVar note: Converted during submission from pathogenic to Pathogenic.